The following is an entry in ClinVar:

ClinVar aggregate classification (germline): Likely pathogenic (1 of 4 stars; one submission).

Conditions:
Congenital lactic acidosis, Saguenay-Lac-Saint-Jean type (MC4DN5). Also called: MITOCHONDRIAL COMPLEX IV DEFICIENCY, NUCLEAR TYPE 5; CYTOCHROME c OXIDASE DEFICIENCY, FRENCH CANADIAN TYPE; COX DEFICIENCY, FRENCH CANADIAN TYPE. Identifiers: Orphanet 70472, MedGen C1857355, MONDO:0009069, OMIM 220111.

Submission:

Myriad Genetics, Inc.
Classification: Likely pathogenic for Congenital lactic acidosis, Saguenay-Lac-Saint-Jean type. Last evaluated: 2022-02-05. Review status: criteria provided, single submitter. Criteria: Myriad Women's Health Autosomal Recessive and X-Linked Classification Criteria (2021). Collection method: clinical testing. Allele origin: unknown.
Comment: NM_133259.3(LRPPRC):c.392delG(G131Vfs*7) is expected to be pathogenic in the context of Leigh syndrome, French-Canadian type. This variant is predicted to lead to an abnormal or absent protein product due to the creation of a premature termination codon in LRPPRC, a gene where loss-of-function variants are known to be pathogenic. Please note: this variant was assessed in the context of healthy population screening.

NM_133259.4(LRPPRC):c.392del (p.Gly131fs)

Gene: LRPPRC (leucine rich pentatricopeptide repeat containing; minus strand). Cytogenetic location: 2p21.
Variant type: Deletion.
Coding change: c.392del on transcript NM_133259.4 (MANE Select); coding-DNA position 392, one base deleted (G; older notation c.392delG).
Protein change: p.Gly131fs; shifts the reading frame from glycine 131.
Molecular consequence: frameshift variant.
Genome position (GRCh38, 1-based): chr2:43,979,903, C deleted on the plus strand (G on the coding strand, the reverse complement: LRPPRC is on the minus strand); the first of 2 consecutive C bases (chr2:43,979,903-43,979,904); deleting either gives the same sequence. VCF-style (leftmost placement, unchanged base first): chr2-43979902-AC-A. GRCh37 (hg19) VCF-style: chr2-44207041-AC-A.
Other names: short protein forms G131fs.
Identifiers: ClinVar variation 1724301 (VCV001724301.2), dbSNP rs2466685684, ClinGen allele CA2580066509.
Genomic context (GRCh38, chr2:43,979,902, plus strand): 5'-GTCCCATATCCTATGAGCAAATTCTGTTCTCTCTTCAAGCTTTAGTTCAGGCAAGAGAGA[AC>A]CACAACTACGTAGTAGAAGCAAGGCATGACTACCACCTAGGCCACCTGTGGAAAAAAGGT-3'